The following is an entry in ClinVar:

ClinVar aggregate classification (germline): Uncertain significance (1 of 4 stars; one submission).

Submission:

GeneDx
Classification: Uncertain significance. Last evaluated: 2023-05-08. Review status: criteria provided, single submitter. Criteria: GeneDx Variant Classification Process June 2021. Collection method: clinical testing. Allele origin: germline. Affected: yes.
Comment: Not observed at significant frequency in large population cohorts (gnomAD); In silico analysis supports that this missense variant does not alter protein structure/function; Has not been previously published as pathogenic or benign to our knowledge

NM_005215.4(DCC):c.709C>A (p.His237Asn)

Gene: DCC (DCC netrin 1 receptor; plus strand). Cytogenetic location: 18q21.2.
Variant type: single nucleotide variant.
Coding change: c.709C>A on transcript NM_005215.4 (MANE Select); coding-DNA position 709, C replaced by A.
Protein change: p.His237Asn; replaces histidine 237 with asparagine.
Molecular consequence: missense variant.
Genome position (GRCh38, 1-based): chr18:52,923,718, C>A. VCF-style: chr18-52923718-C-A. GRCh37 (hg19) VCF-style: chr18-50450088-C-A.
Other names: short protein forms H237N.
Identifiers: ClinVar variation 2662231 (VCV002662231.1), dbSNP rs201234438, ClinGen allele CA402514093.
Genomic context (GRCh38, chr18:52,923,718, plus strand): 5'-TTTGCAATGTTTTTCATATATCATATGATACTGTGTTTTCCCCTCATAGATCCAGGACTG[C>A]ATAGACAGCTGTATTTTCTGCAAAGACCATCCAATGTAGTAGCCATTGAAGGAAAAGATG-3'
Protein context (NP_005206.2, residues 227-247): EVRILSDPGL[His237Asn]RQLYFLQRPS